The following is an entry in ClinVar:

NM_024496.4(IRF2BPL):c.868C>G (p.Pro290Ala)

Gene: IRF2BPL (interferon regulatory factor 2 binding protein like; minus strand). Cytogenetic location: 14q24.3.
Variant type: single nucleotide variant.
Coding change: c.868C>G on transcript NM_024496.4 (MANE Select); coding-DNA position 868, C replaced by G.
Protein change: p.Pro290Ala; replaces proline 290 with alanine.
Molecular consequence: missense variant.
Genome position (GRCh38, 1-based): chr14:77,026,925, G>C on the plus strand (C>G on the coding strand, the complement: IRF2BPL is on the minus strand). VCF-style: chr14-77026925-G-C. GRCh37 (hg19) VCF-style: chr14-77493268-G-C.
Other names: short protein forms P290A.
Identifiers: ClinVar variation 4994249 (VCV004994249.1).

ClinVar aggregate classification (germline): Uncertain significance (1 of 4 stars; one submission).

Conditions:
IRF2BPL-related disorder. Also called: IRF2BPL-related condition. Identifiers: MedGen CN381093.

gnomAD v4.1: 1 of 1,478,468 alleles (0.000068%); highest among the groups gnomAD compares: Non-Finnish European, 0.00009%; no homozygotes.

Submission:

PreventionGenetics, part of Exact Sciences
Classification: Uncertain significance for IRF2BPL-related condition. Last evaluated: 2026-01-26. Review status: criteria provided, single submitter. Criteria: ACMG Guidelines, 2015. Collection method: clinical testing. Allele origin: germline.
Comment: The IRF2BPL c.868C>G variant is predicted to result in the amino acid substitution p.Pro290Ala. To our knowledge, this variant has not been reported in the literature or in a large population database (gnomAD), indicating this variant is rare. At this time, the clinical significance of this variant is uncertain due to the absence of conclusive functional and genetic evidence.